The following is an entry in ClinVar:

ClinVar aggregate classification (germline): Benign/Likely benign. Review status: criteria provided, multiple submitters, no conflicts (2 of 4 stars). 9 submissions from 8 submitters: Benign (2); Likely benign (7). Last evaluated 2025-08-15.

Conditions:
Cardiomyopathy (CMYO). Also called: Cardiomyopathies. Identifiers: Orphanet 167848, MedGen C0878544, MONDO:0004994, HP:0001638. Inheritance: Various modes of inheritance.
Autosomal recessive limb-girdle muscular dystrophy type 2F (LGMDR6). Also called: MUSCULAR DYSTROPHY, LIMB-GIRDLE, AUTOSOMAL RECESSIVE 6; Muscular dystrophy limb-girdle with delta-sarcoglyan deficiency. Identifiers: Orphanet 219, MedGen C1832525, MONDO:0011028, OMIM 601287. Disease mechanism: Affects gamma-sarcoglycan and also disrupts the integrity of the entire sarcoglycan complex..
Dilated cardiomyopathy 1L (CMD1L). Identifiers: Orphanet 154, MedGen C1847667, MONDO:0011702, OMIM 606685.

Allele frequency attached by ClinVar (database versions not stated): gnomAD exomes 0.00020 and 0.00050; ExAC 0.00071; gnomAD 0.00231 and 0.00241; TOPMed 0.00269; ESP Exome Variant Server 0.00273; 1000 Genomes Project 0.00280; 1000 Genomes Project 30x 0.00281.
gnomAD v4.1: 640 of 1,603,556 alleles (0.04%); highest among the groups gnomAD compares: African/African-American, 0.81%; 3 homozygotes.

Submissions (9):

Mayo Clinic Laboratories, Mayo Clinic
Classification: Likely benign. Last evaluated: 2025-08-15. Review status: criteria provided, single submitter. Criteria: ACMG Guidelines, 2015. Collection method: clinical testing. Allele origin: germline. Observed: 7 variant alleles.
Comment: BS1, BP4, BP7

Blueprint Genetics
Classification: Likely benign. Last evaluated: 2024-07-06. Review status: criteria provided, single submitter. Criteria: ACMG Guidelines, 2015. Collection method: clinical testing. Allele origin: germline.

Genome-Nilou Lab
Classification: Likely benign for Autosomal recessive limb-girdle muscular dystrophy type 2F. Last evaluated: 2023-02-08. Review status: criteria provided, single submitter. Criteria: ACMG Guidelines, 2015. Collection method: clinical testing. Allele origin: germline.

Genome-Nilou Lab
Classification: Likely benign for Dilated cardiomyopathy 1L. Last evaluated: 2023-02-08. Review status: criteria provided, single submitter. Criteria: ACMG Guidelines, 2015. Collection method: clinical testing. Allele origin: germline.

Athena Diagnostics
Classification: Likely benign. Last evaluated: 2018-09-26. Review status: criteria provided, single submitter. Criteria: Athena Diagnostics Criteria. Collection method: clinical testing. Allele origin: germline.

CHEO Genetics Diagnostic Laboratory, Children's Hospital of Eastern Ontario
Classification: Likely benign for Cardiomyopathy. Last evaluated: 2017-07-12. Review status: criteria provided, single submitter. Criteria: ACMG Guidelines, 2015. Collection method: clinical testing. Allele origin: germline. Study: Canadian Open Genetics Repository.

GeneDx
Classification: Benign. Last evaluated: 2015-03-03. Review status: criteria provided, single submitter. Criteria: GeneDx Variant Classification Process June 2021. Collection method: clinical testing. Allele origin: germline. Affected: yes.

Eurofins Ntd Llc (ga)
Classification: Benign. Last evaluated: 2013-05-20. Review status: criteria provided, single submitter. Criteria: EGL Classification Definitions 2015. Collection method: clinical testing. Allele origin: germline. Observed: 1 variant allele, 1 heterozygote.

Laboratory for Molecular Medicine, Mass General Brigham Personalized Medicine
Classification: Likely benign. Last evaluated: 2012-03-19. Review status: criteria provided, single submitter. Criteria: LMM Criteria. Collection method: clinical testing. Allele origin: germline. Observed: 2 variant alleles.
Comment: *2A>C in exon 9 of SGCD: This variant is not expected to have clinical significa nce because it has been identified in 0.8% (24/3134) of African American chromos omes from a broad population by the NHLBI Exome Sequencing Project (s.). *2A>C in exon 9 of SGCD (allele frequency = 0.8%, 24/313 4) **

NM_000337.6(SGCD):c.*2A>C

Gene: SGCD (sarcoglycan delta; plus strand). Cytogenetic location: 5q33.3.
Variant type: single nucleotide variant.
Coding change: c.*2A>C on transcript NM_000337.6 (MANE Select); 2 bases downstream of the stop codon, A replaced by C.
Molecular consequence: 3 prime UTR variant.
Genome position (GRCh38, 1-based): chr5:156,759,392, A>C. VCF-style: chr5-156759392-A-C. GRCh37 (hg19) VCF-style: chr5-156186403-A-C.
Other names: c.*2A>C; c.*2A>C (NM_001128209.2).
Identifiers: ClinVar variation 43355 (VCV000043355.17), dbSNP rs200757725, ClinGen allele CA132468.